The following is an entry in ClinVar:

ClinVar aggregate classification (germline): Conflicting classifications of pathogenicity. Review status: criteria provided, conflicting classifications (1 of 4 stars). 10 submissions from 10 submitters: Uncertain significance (4); Benign (1); Likely benign (5). Last evaluated 2026-09-18.

Conditions:
ALK-related disorder. Also called: ALK-related condition.
Neuroblastoma, susceptibility to, 3. Also called: ALK-Related Neuroblastic Tumor Susceptibility. Identifiers: Orphanet 635, MedGen C2751681, MONDO:0013083, OMIM 613014.
Hereditary cancer-predisposing syndrome. Also called: Tumor predisposition; Hereditary Cancer Syndrome; Neoplastic Syndromes, Hereditary; Hereditary neoplastic syndrome. Identifiers: Orphanet 140162, MedGen C0027672, MeSH D009386, MONDO:0015356.

Allele frequency attached by ClinVar (database versions not stated): ExAC 0.00005; gnomAD exomes 0.00006 and 0.00012; TOPMed 0.00012; gnomAD 0.00014 and 0.00015.
gnomAD v4.1: 190 of 1,603,090 alleles (0.012%); highest among the groups gnomAD compares: Non-Finnish European, 0.015%; no homozygotes.

Submissions (10):

PreventionGenetics, part of Exact Sciences
Classification: Uncertain significance for ALK-related condition. Last evaluated: 2026-09-18. Review status: criteria provided, single submitter. Criteria: ACMG Guidelines, 2015. Collection method: clinical testing. Allele origin: germline.
Comment: The ALK c.4275G>A variant is not predicted to result in an amino acid change (p.=). This variant is predicted to introduce a cryptic splice site in exon 29 based on splicing prediction programs (Alamut Visual Plus v.1.6.1). However, these prediction programs are not equivalent to functional evidence. To our knowledge, this variant has not been reported in the literature. This variant is reported in 0.012% of alleles in individuals of Latino descent in gnomAD and has conflicting interpretations of pathogenicity in ClinVar ranging from benign to uncertain (Variation ID: 239835). Although we suspect that this variant may be benign, at this time, the clinical significance of this variant is uncertain due to the absence of conclusive functional and genetic evidence.

OLLIN Analises Genomicas, OLLIN
Classification: Uncertain significance for Neuroblastoma, susceptibility to, 3. Last evaluated: 2026-08-06. Review status: criteria provided, single submitter. Criteria: ACMG Guidelines 2015 PMID 25741868. Collection method: clinical testing. Allele origin: germline.
Comment: This synonymous variant, located in exon 29 (of 29), has been reported in ClinVar (accession VCV000239835.37) and in gnomAD with an allele frequency of 0.012%. However, to our knowledge, it has not been reported in the scientific literature. According to the currently available evidence, this variant has been classified as uncertain significance (PP3).

Women's Health and Genetics/Laboratory Corporation of America, LabCorp
Classification: Benign. Last evaluated: 2026-06-28. Review status: criteria provided, single submitter. Criteria: LabCorp Variant Classification Summary - May 2015. Collection method: clinical testing. Allele origin: germline.

Ambry Genetics
Classification: Likely benign for Hereditary cancer-predisposing syndrome. Last evaluated: 2026-05-14. Review status: criteria provided, single submitter. Criteria: Ambry Variant Classification Scheme 2023. Collection method: clinical testing. Allele origin: germline.

Labcorp Genetics (formerly Invitae), Labcorp
Classification: Likely benign for Neuroblastoma, susceptibility to, 3. Last evaluated: 2026-01-31. Review status: criteria provided, single submitter. Criteria: Invitae Variant Classification Sherloc (09022015). Collection method: clinical testing. Allele origin: germline.

CeGaT Center for Human Genetics Tuebingen
Classification: Likely benign. Last evaluated: 2025-02-01. Review status: criteria provided, single submitter. Criteria: CeGaT Center For Human Genetics Tuebingen Variant Classification Criteria Version 2. Collection method: clinical testing. Allele origin: germline. Affected: yes. Observed: 1 variant allele.
Comment: ALK: BP7

St. Jude Molecular Pathology, St. Jude Children's Research Hospital
Classification: Uncertain significance for Neuroblastoma, susceptibility to, 3. Last evaluated: 2024-09-18. Review status: criteria provided, single submitter. Criteria: St. Jude Assertion Criteria 2020. Collection method: clinical testing. Allele origin: germline.
Comment: The ALK c.4275G>A (p.Leu1425=) synonymous change has a maximum subpopulation frequency of 0.01% in gnomAD v2.1.1. Algorithms that predict the impact of sequence changes on splicing indicate that this change may impact splicing, but to our knowledge these predictions have not been confirmed by functional studies and our internal data based on RNA-seq analysis of a tumor sample of the patient is indeterminate (see Comments). To our knowledge, this variant has not been reported in the literature in individuals with ALK-related neuroblastic tumor susceptibility. In summary, the evidence currently available is insufficient to determine the clinical significance of this variant. It has therefore been classified as of uncertain significance.

GeneDx
Classification: Uncertain significance. Last evaluated: 2024-03-26. Review status: criteria provided, single submitter. Criteria: GeneDx Variant Classification Process June 2021. Collection method: clinical testing. Allele origin: germline. Affected: yes.
Comment: In silico analysis suggests this variant may impact gene splicing. In the absence of RNA/functional studies, the actual effect of this sequence change is unknown.; Has not been previously published as pathogenic or benign to our knowledge

Blueprint Genetics
Classification: Likely benign. Last evaluated: 2023-11-24. Review status: criteria provided, single submitter. Criteria: ACMG Guidelines, 2015. Collection method: clinical testing. Allele origin: germline.

Illumina Laboratory Services, Illumina
Classification: Likely benign for Neuroblastoma, susceptibility to, 3. Last evaluated: 2018-01-13. Review status: criteria provided, single submitter. Criteria: ICSL Variant Classification Criteria 13 December 2019. Collection method: clinical testing. Allele origin: germline.
Comment: This variant was observed in the ICSL laboratory as part of a predisposition screen in an ostensibly healthy population. It had not been previously curated by ICSL or reported in the Human Gene Mutation Database (HGMD: prior to June 1st, 2018), and was therefore a candidate for classification through an automated scoring system. Utilizing variant allele frequency, disease prevalence and penetrance estimates, and inheritance mode, an automated score was calculated to assess if this variant is too frequent to cause the disease. Based on the score and internal cut-off values, a variant classified as likely benign is not then subjected to further curation. The score for this variant resulted in a classification of likely benign for this disease.

NM_004304.5(ALK):c.4275G>A (p.Leu1425=)

Gene: ALK (ALK receptor tyrosine kinase; minus strand). Cytogenetic location: 2p23.2.
Variant type: single nucleotide variant.
Coding change: c.4275G>A on transcript NM_004304.5 (MANE Select); coding-DNA position 4275, G replaced by A.
Protein change: p.Leu1425=; no amino-acid change (leucine 1425 retained).
Molecular consequence: synonymous variant.
Genome position (GRCh38, 1-based): chr2:29,193,812, C>T on the plus strand (G>A on the coding strand, the complement: ALK is on the minus strand). VCF-style: chr2-29193812-C-T. GRCh37 (hg19) VCF-style: chr2-29416678-C-T.
Other names: c.1071G>A, p.Leu357= (NM_001353765.2).
Identifiers: ClinVar variation 239835 (VCV000239835.41), dbSNP rs749418931, ClinGen allele CA1593605.